The following is an entry in ClinVar:

ClinVar aggregate classification (germline): Uncertain significance (1 of 4 stars; one submission).

Conditions:
Autosomal recessive limb-girdle muscular dystrophy type 2O. Also called: Limb-Girdle Muscular Dystrophy Type 3C; MUSCULAR DYSTROPHY-DYSTROGLYCANOPATHY (LIMB-GIRDLE), TYPE C, 3; MUSCULAR DYSTROPHY-DYSTROGLYCANOPATHY, LIMB-GIRDLE, POMGNT1-RELATED. Identifiers: Orphanet 206564, MedGen C3150417, MONDO:0013161, OMIM 613157.
Muscular dystrophy-dystroglycanopathy (congenital with impaired intellectual development), type B, 3. Also called: MUSCULAR DYSTROPHY, CONGENITAL, POMGNT1-RELATED; Muscular dystrophy-dystroglycanopathy (congenital with intellectual disability), type B3. Identifiers: MedGen C3150412, MONDO:0013155, OMIM 613151.

Submission:

Labcorp Genetics (formerly Invitae), Labcorp
Classification: Uncertain significance for Autosomal recessive limb-girdle muscular dystrophy type 2O; Muscular dystrophy-dystroglycanopathy (congenital with impaired intellectual development), type B, 3. Last evaluated: 2021-05-17. Review status: criteria provided, single submitter. Criteria: Invitae Variant Classification Sherloc (09022015). Collection method: clinical testing. Allele origin: germline.
Comment: Algorithms developed to predict the effect of missense changes on protein structure and function (SIFT, PolyPhen-2, Align-GVGD) all suggest that this variant is likely to be tolerated, but these predictions have not been confirmed by published functional studies and their clinical significance is uncertain. In summary, the available evidence is currently insufficient to determine the role of this variant in disease. Therefore, it has been classified as a Variant of Uncertain Significance. This variant has not been reported in the literature in individuals with POMGNT1-related conditions. This variant is not present in population databases (ExAC no frequency). This sequence change replaces valine with glutamic acid at codon 633 of the POMGNT1 protein (p.Val633Glu). The valine residue is weakly conserved and there is a moderate physicochemical difference between valine and glutamic acid.

NM_017739.4(POMGNT1):c.1898T>A (p.Val633Glu)

Genes: POMGNT1 (protein O-linked mannose N-acetylglucosaminyltransferase 1 (beta 1,2-); minus strand), TSPAN1 (tetraspanin 1; plus strand). Cytogenetic location: 1p34.1.
Variant type: single nucleotide variant.
Coding change: c.1898T>A on transcript NM_017739.4 (MANE Select); coding-DNA position 1898, T replaced by A.
Protein change: p.Val633Glu; replaces valine 633 with glutamic acid.
Molecular consequence: missense variant. On other transcripts: intron variant (1).
Genome position (GRCh38, 1-based): chr1:46,189,355, A>T on the plus strand (T>A on the coding strand, the complement: POMGNT1 is on the minus strand). VCF-style: chr1-46189355-A-T. GRCh37 (hg19) VCF-style: chr1-46655027-A-T.
Other names: c.1872T>A, p.Ser624Arg (NM_001243766.2); c.1832T>A, p.Val611Glu (NM_001290129.3); c.1469T>A, p.Val490Glu (NM_001290130.2); c.1895+103T>A (NM_001410783.1); short protein forms S624R, V490E, V611E, V633E.
Identifiers: ClinVar variation 1391978 (VCV001391978.8), dbSNP rs1285505849, ClinGen allele CA340170585.